The following is an entry in ClinVar:

ClinVar aggregate classification (germline): Uncertain significance (1 of 4 stars; one submission).

Conditions:
Familial hemophagocytic lymphohistiocytosis 3 (FHL3). Also called: UNC13D-Related Familial Hemophagocytic Lymphohistiocytosis (UNC13D-fHLH). Identifiers: Orphanet 540, MedGen C1837174, MONDO:0012146, OMIM 608898.

Submission:

Labcorp Genetics (formerly Invitae), Labcorp
Classification: Uncertain significance for Familial hemophagocytic lymphohistiocytosis 3. Last evaluated: 2022-11-15. Review status: criteria provided, single submitter. Criteria: Invitae Variant Classification Sherloc (09022015). Collection method: clinical testing. Allele origin: germline.
Comment: In summary, the available evidence is currently insufficient to determine the role of this variant in disease. Therefore, it has been classified as a Variant of Uncertain Significance. Algorithms developed to predict the effect of sequence changes on RNA splicing suggest that this variant may disrupt the consensus splice site. Advanced modeling of protein sequence and biophysical properties (such as structural, functional, and spatial information, amino acid conservation, physicochemical variation, residue mobility, and thermodynamic stability) performed at Invitae indicates that this missense variant is not expected to disrupt UNC13D protein function. ClinVar contains an entry for this variant (Variation ID: 1008023). This variant has not been reported in the literature in individuals affected with UNC13D-related conditions. This variant is not present in population databases (gnomAD no frequency). This sequence change replaces threonine, which is neutral and polar, with lysine, which is basic and polar, at codon 827 of the UNC13D protein (p.Thr827Lys).

NM_199242.3(UNC13D):c.2480C>A (p.Thr827Lys)

Gene: UNC13D (unc-13 homolog D; minus strand). Cytogenetic location: 17q25.1.
Variant type: single nucleotide variant.
Coding change: c.2480C>A on transcript NM_199242.3 (MANE Select); coding-DNA position 2480, C replaced by A.
Protein change: p.Thr827Lys; replaces threonine 827 with lysine.
Molecular consequence: missense variant.
Genome position (GRCh38, 1-based): chr17:75,831,316, G>T on the plus strand (C>A on the coding strand, the complement: UNC13D is on the minus strand). VCF-style: chr17-75831316-G-T. GRCh37 (hg19) VCF-style: chr17-73827397-G-T.
Other names: short protein forms T827K.
Identifiers: ClinVar variation 1008023 (VCV001008023.10), dbSNP rs1163818709, ClinGen allele CA401082590.
Genomic context (GRCh38, chr17:75,831,316, plus strand): 5'-TTCAGCCTGTTGGAAGCCAGGGATGAGCTGCGCTGGGAGGCGGCCGCCTCCACCAGCACT[G>T]TGAGTGTGTGGGTCCAGAGCAGGGTCAGGAGGCTGGGGCGGGGCCGGAGGGATGCGGACA-3'
Protein context (NP_954712.1, residues 817-837): LLTLLWTHTL[Thr827Lys]VLVEAAASQR